The following is an entry in ClinVar:

ClinVar aggregate classification (germline): Uncertain significance. Review status: criteria provided, multiple submitters, no conflicts (2 of 4 stars). 2 submissions from 2 submitters: Uncertain significance (2). Last evaluated 2024-09-15.

Conditions:
Hereditary nonpolyposis colorectal neoplasms. Identifiers: MedGen C0009405, MeSH D003123.
Hereditary cancer-predisposing syndrome. Also called: Neoplastic Syndromes, Hereditary; Hereditary Cancer Syndrome; Tumor predisposition; Hereditary neoplastic syndrome. Identifiers: Orphanet 140162, MedGen C0027672, MeSH D009386, MONDO:0015356.

Allele frequency attached by ClinVar (database versions not stated): gnomAD exomes below 0.00001.
gnomAD v4.1: 4 of 1,614,170 alleles (0.00025%); highest among the groups gnomAD compares: African/African-American, 0.0013%; no homozygotes.

Submissions (2):

Labcorp Genetics (formerly Invitae), Labcorp
Classification: Uncertain significance for Hereditary nonpolyposis colorectal neoplasms. Last evaluated: 2024-09-15. Review status: criteria provided, single submitter. Criteria: Invitae Variant Classification Sherloc (09022015). Collection method: clinical testing. Allele origin: germline.
Comment: This sequence change replaces arginine, which is basic and polar, with threonine, which is neutral and polar, at codon 487 of the PMS2 protein (p.Arg487Thr). This variant is not present in population databases (gnomAD no frequency). This variant has not been reported in the literature in individuals affected with PMS2-related conditions. ClinVar contains an entry for this variant (Variation ID: 943673). Invitae Evidence Modeling of protein sequence and biophysical properties (such as structural, functional, and spatial information, amino acid conservation, physicochemical variation, residue mobility, and thermodynamic stability) indicates that this missense variant is not expected to disrupt PMS2 protein function with a negative predictive value of 80%. In summary, the available evidence is currently insufficient to determine the role of this variant in disease. Therefore, it has been classified as a Variant of Uncertain Significance.

Ambry Genetics
Classification: Uncertain significance for Hereditary cancer-predisposing syndrome. Last evaluated: 2020-08-17. Review status: criteria provided, single submitter. Criteria: Ambry Variant Classification Scheme 2023. Collection method: clinical testing. Allele origin: germline.
Comment: The p.R487T variant (also known as c.1460G>C), located in coding exon 11 of the PMS2 gene, results from a G to C substitution at nucleotide position 1460. The arginine at codon 487 is replaced by threonine, an amino acid with similar properties. This amino acid position is poorly conserved in available vertebrate species. In addition, this alteration is predicted to be tolerated by in silico analysis. Since supporting evidence is limited at this time, the clinical significance of this alteration remains unclear.

NM_000535.7(PMS2):c.1460G>C (p.Arg487Thr)

Gene: PMS2 (PMS1 homolog 2, mismatch repair system component; minus strand). Cytogenetic location: 7p22.1.
Variant type: single nucleotide variant.
Coding change: c.1460G>C on transcript NM_000535.7 (MANE Select); coding-DNA position 1460, G replaced by C.
Protein change: p.Arg487Thr; replaces arginine 487 with threonine.
Molecular consequence: missense variant. On other transcripts: non-coding transcript variant (1).
Genome position (GRCh38, 1-based): chr7:5,987,305, C>G on the plus strand (G>C on the coding strand, the complement: PMS2 is on the minus strand). VCF-style: chr7-5987305-C-G. GRCh37 (hg19) VCF-style: chr7-6026936-C-G.
Other names: c.1055G>C, p.Arg352Thr (NM_001322003.2, NM_001322004.2, NM_001322005.2 and 1 more transcripts); c.899G>C, p.Arg300Thr (NM_001322010.2); c.527G>C, p.Arg176Thr (NM_001322011.2, NM_001322012.2); c.1304G>C, p.Arg435Thr (NM_001322006.2); c.1142G>C, p.Arg381Thr (NM_001322007.2, NM_001322008.2); c.887G>C, p.Arg296Thr (NM_001322013.2); c.1460G>C, p.Arg487Thr (NM_001322014.2); c.1151G>C, p.Arg384Thr (NM_001322015.2); short protein forms R176T, R435T, R296T, R300T, R384T, R487T, R352T, R381T.
Identifiers: ClinVar variation 943673 (VCV000943673.10), dbSNP rs1783084707, ClinGen allele CA366741908.
Genomic context (GRCh38, chr7:5,987,305, plus strand): 5'-CTGAACCCCTCAGAATCCACGGAAGTGCTGCCGTGCCCCGAGTCCTTCTCCACCTCCGCT[C>G]TGTCCGTAGGGTCACTGGGTCCGTGACTGGAACTCACTGCCTCTTTCTGAGGTCTCAGGA-3'
Protein context (NP_000526.2, residues 477-497): SSHGPSDPTD[Arg487Thr]AEVEKDSGHG